The following is an entry in ClinVar:

NM_017636.4(TRPM4):c.1769T>C (p.Leu590Pro)

Gene: TRPM4 (transient receptor potential cation channel subfamily M member 4; plus strand). Cytogenetic location: 19q13.33.
Variant type: single nucleotide variant.
Coding change: c.1769T>C on transcript NM_017636.4 (MANE Select); coding-DNA position 1769, T replaced by C.
Protein change: p.Leu590Pro; replaces leucine 590 with proline.
Molecular consequence: missense variant.
Genome position (GRCh38, 1-based): chr19:49,188,666, T>C. VCF-style: chr19-49188666-T-C. GRCh37 (hg19) VCF-style: chr19-49691923-T-C.
Other names: c.1769T>C, p.Leu590Pro (NM_001195227.2); c.1424T>C, p.Leu475Pro (NM_001321281.2); c.161T>C, p.Leu54Pro (NM_001321282.2); c.1247T>C, p.Leu416Pro (NM_001321283.2); c.707T>C, p.Leu236Pro (NM_001321285.2); short protein forms L416P, L54P, L236P, L590P, L475P.
Identifiers: ClinVar variation 1934444 (VCV001934444.5), dbSNP rs1250964236, ClinGen allele CA406802764.

ClinVar aggregate classification (germline): Uncertain significance (1 of 4 stars; one submission).

Conditions:
Progressive familial heart block type IB (PFHB1B). Identifiers: Orphanet 871, MedGen C1970298, MONDO:0011474, OMIM 604559.

Allele frequency attached by ClinVar (database versions not stated): TOPMed below 0.00001; gnomAD 0.00001.
gnomAD v4.1: 1 of 1,614,082 alleles (0.000062%); highest among the groups gnomAD compares: African/African-American, 0.0013%; no homozygotes.

Submission:

Labcorp Genetics (formerly Invitae), Labcorp
Classification: Uncertain significance for Progressive familial heart block type IB. Last evaluated: 2022-01-16. Review status: criteria provided, single submitter. Criteria: Invitae Variant Classification Sherloc (09022015). Collection method: clinical testing. Allele origin: germline.
Comment: This variant is not present in population databases (gnomAD no frequency). This sequence change replaces leucine, which is neutral and non-polar, with proline, which is neutral and non-polar, at codon 590 of the TRPM4 protein (p.Leu590Pro). This variant has not been reported in the literature in individuals affected with TRPM4-related conditions. Algorithms developed to predict the effect of missense changes on protein structure and function are either unavailable or do not agree on the potential impact of this missense change (SIFT: "Deleterious"; PolyPhen-2: "Probably Damaging"; Align-GVGD: "Class C0"). In summary, the available evidence is currently insufficient to determine the role of this variant in disease. Therefore, it has been classified as a Variant of Uncertain Significance.